The following is an entry in ClinVar:

ClinVar aggregate classification (germline): Uncertain significance (1 of 4 stars; one submission).

Submission:

Labcorp Genetics (formerly Invitae), Labcorp
Classification: Uncertain significance. Last evaluated: 2024-02-23. Review status: criteria provided, single submitter. Criteria: Invitae Variant Classification Sherloc (09022015). Collection method: clinical testing. Allele origin: germline.
Comment: This sequence change creates a premature translational stop signal (p.Gln694*) in the ARHGEF1 gene. It is expected to result in an absent or disrupted protein product. However, the current clinical and genetic evidence is not sufficient to establish whether loss-of-function variants in ARHGEF1 cause disease. This variant is not present in population databases (gnomAD no frequency). This variant has not been reported in the literature in individuals affected with ARHGEF1-related conditions. ClinVar contains an entry for this variant (Variation ID: 2105873). In summary, the available evidence is currently insufficient to determine the role of this variant in disease. Therefore, it has been classified as a Variant of Uncertain Significance.

NM_004706.4(ARHGEF1):c.2035C>T (p.Gln679Ter)

Gene: ARHGEF1 (Rho guanine nucleotide exchange factor 1; plus strand). Cytogenetic location: 19q13.2.
Variant type: single nucleotide variant.
Coding change: c.2035C>T on transcript NM_004706.4 (MANE Select); coding-DNA position 2035, C replaced by T.
Protein change: p.Gln679Ter; replaces glutamine 679 with a stop codon.
Molecular consequence: nonsense. On other transcripts: non-coding transcript variant (2).
Genome position (GRCh38, 1-based): chr19:41,904,257, C>T. VCF-style: chr19-41904257-C-T. GRCh37 (hg19) VCF-style: chr19-42408409-C-T.
Other names: c.2203C>T, p.Gln735Ter (NM_001396000.1); c.1936C>T, p.Gln646Ter (NM_001396002.1, NM_001396004.1, NM_198977.2); c.2035C>T, p.Gln679Ter (NM_001396003.1, NM_001396006.1); c.2080C>T, p.Gln694Ter (NM_199002.2); short protein forms Q646*, Q694*, Q735*, Q679*.
Identifiers: ClinVar variation 2105873 (VCV002105873.4), dbSNP rs1555849659, ClinGen allele CA406064572.